The following is an entry in ClinVar:

NM_001349253.2(SCN11A):c.2931C>T (p.Thr977=)

Gene: SCN11A (sodium voltage-gated channel alpha subunit 11; minus strand). Cytogenetic location: 3p22.2.
Variant type: single nucleotide variant.
Coding change: c.2931C>T on transcript NM_001349253.2 (MANE Select); coding-DNA position 2931, C replaced by T.
Protein change: p.Thr977=; no amino-acid change (threonine 977 retained).
Molecular consequence: synonymous variant.
Genome position (GRCh38, 1-based): chr3:38,886,143, G>A on the plus strand (C>T on the coding strand, the complement: SCN11A is on the minus strand). VCF-style: chr3-38886143-G-A. GRCh37 (hg19) VCF-style: chr3-38927634-G-A.
Other names: c.2931C>T (NM_014139.2); c.2931C>T, p.Thr977= (NM_014139.3).
Identifiers: ClinVar variation 2051970 (VCV002051970.5), dbSNP rs531611388, ClinGen allele CA2321923.
Genomic context (GRCh38, chr3:38,886,143, plus strand): 5'-GATGAGCCACAAGTTCCTCTGACAACATCCTAGGAAAATTACCTTTCGGGGATCCTGTAT[G>A]GTCAGATGAGGCTCATCTTCAGAGAACATGTCAATTTCCACACTTTGAACTCTCTGGCTC-3'
Protein context (NP_001336182.1, residues 967-987): DMFSEDEPHL[Thr977=]IQDPRKKSDV

ClinVar aggregate classification (germline): Likely benign. Review status: criteria provided, multiple submitters, no conflicts (2 of 4 stars). 2 submissions from 2 submitters: Likely benign (2). Last evaluated 2025-04-28.

Conditions:
Hereditary sensory and autonomic neuropathy type 7. Also called: Neuropathy, hereditary sensory and autonomic, type VII; HSAN VII. Identifiers: Orphanet 391397, MedGen C3809882, MONDO:0014244, OMIM 615548.
Familial episodic pain syndrome with predominantly lower limb involvement. Also called: Episodic pain syndrome, familial, 3. Identifiers: Orphanet 391384, Orphanet 391392, MedGen C3809899, MONDO:0014247, OMIM 615552.
SCN11A-related disorder. Also called: SCN11A-related condition.

Allele frequency attached by ClinVar (database versions not stated): gnomAD exomes 0.00001; ExAC 0.00002; gnomAD 0.00004; TOPMed 0.00004; 1000 Genomes Project 30x 0.00016; 1000 Genomes Project 0.00020.
gnomAD v4.1: 20 of 1,610,208 alleles (0.0012%); highest among the groups gnomAD compares: East Asian, 0.042%; no homozygotes.

Submissions (2):

PreventionGenetics, part of Exact Sciences
Classification: Likely benign for SCN11A-related condition. Last evaluated: 2025-04-28. Review status: criteria provided, single submitter. Criteria: ACMG Guidelines, 2015. Collection method: clinical testing. Allele origin: germline.
Comment: This variant is classified as likely benign based on ACMG/AMP sequence variant interpretation guidelines (Richards et al. 2015 PMID: 25741868, with internal and published modifications).

Labcorp Genetics (formerly Invitae), Labcorp
Classification: Likely benign for Familial episodic pain syndrome with predominantly lower limb involvement; Hereditary sensory and autonomic neuropathy type 7. Last evaluated: 2024-11-11. Review status: criteria provided, single submitter. Criteria: Invitae Variant Classification Sherloc (09022015). Collection method: clinical testing. Allele origin: germline.